The following is an entry in ClinVar:

ClinVar aggregate classification (germline): Uncertain significance (1 of 4 stars; one submission).

Allele frequency attached by ClinVar (database versions not stated): TOPMed below 0.00001; gnomAD 0.00001.

Submission:

Labcorp Genetics (formerly Invitae), Labcorp
Classification: Uncertain significance. Last evaluated: 2022-06-27. Review status: criteria provided, single submitter. Criteria: Invitae Variant Classification Sherloc (09022015). Collection method: clinical testing. Allele origin: germline.
Comment: This sequence change replaces glutamic acid, which is acidic and polar, with lysine, which is basic and polar, at codon 67 of the NKX3-2 protein (p.Glu67Lys). In summary, the available evidence is currently insufficient to determine the role of this variant in disease. Therefore, it has been classified as a Variant of Uncertain Significance. Algorithms developed to predict the effect of missense changes on protein structure and function are either unavailable or do not agree on the potential impact of this missense change (SIFT: "Deleterious"; PolyPhen-2: "Benign"; Align-GVGD: "Class C0"). ClinVar contains an entry for this variant (Variation ID: 999293). This variant has not been reported in the literature in individuals affected with NKX3-2-related conditions. This variant is not present in population databases (gnomAD no frequency).

NM_001189.4(NKX3-2):c.199G>A (p.Glu67Lys)

Gene: NKX3-2 (NK3 homeobox 2; minus strand). Cytogenetic location: 4p15.33.
Variant type: single nucleotide variant.
Coding change: c.199G>A on transcript NM_001189.4 (MANE Select); coding-DNA position 199, G replaced by A.
Protein change: p.Glu67Lys; replaces glutamic acid 67 with lysine.
Molecular consequence: missense variant.
Genome position (GRCh38, 1-based): chr4:13,544,216, C>T on the plus strand (G>A on the coding strand, the complement: NKX3-2 is on the minus strand). VCF-style: chr4-13544216-C-T. GRCh37 (hg19) VCF-style: chr4-13545840-C-T.
Other names: short protein forms E67K.
Identifiers: ClinVar variation 999293 (VCV000999293.10), dbSNP rs1408671947, ClinGen allele CA356377840.
Genomic context (GRCh38, chr4:13,544,216, plus strand): 5'-TCTCCGCAGTCCGCCCCGCAGCTGTTCTGGTACCGGCAGGAGACGCCAGCAGAGAGTCCT[C>T]GGCGCCCCCCAACGCGCCCGCGTCCCTCTCCCCAAAGAGCCGCCAACAGCAGACAGCGGG-3'
Protein context (NP_001180.1, residues 57-77): ERDAGALGGA[Glu67Lys]DSLLASPAGT